The following is an entry in ClinVar:

NM_001164507.2(NEB):c.21340C>T (p.Arg7114Trp)

Genes: NEB (nebulin; minus strand), RIF1 (replication timing regulatory factor 1; plus strand). Cytogenetic location: 2q23.3.
Variant type: single nucleotide variant.
Coding change: c.21340C>T on transcript NM_001164507.2 (MANE Plus Clinical); coding-DNA position 21340, C replaced by T.
Protein change: p.Arg7114Trp; replaces arginine 7114 with tryptophan.
Molecular consequence: missense variant. On other transcripts: intron variant (1).
Genome position (GRCh38, 1-based): chr2:151,534,292, G>A on the plus strand (C>T on the coding strand, the complement: NEB is on the minus strand). VCF-style: chr2-151534292-G-A. GRCh37 (hg19) VCF-style: chr2-152390806-G-A.
Other names: c.21340C>T, p.Arg7114Trp (NM_001271208.2); c.16237C>T, p.Arg5413Trp (NM_004543.5); c.21313-746C>T (NM_001164508.2); short protein forms R7114W, R5413W.
Identifiers: ClinVar variation 557244 (VCV000557244.17), dbSNP rs186686151, ClinGen allele CA1907007.
Genomic context (GRCh38, chr2:151,534,292, plus strand): 5'-CTGCGGTCTTAGCCAGCAGATGTCTAGGCTCATCGACTACCAGGTGGTATTTATCTTTCC[G>A]CTGCTCATAATCAGCTCTGTATTTTTTCTGCTCAAACATCATAGCATATTATAGCAAGAG-3'
Protein context (NP_001157979.2, residues 7104-7124): EKKYRADYEQ[Arg7114Trp]KDKYHLVVDE

ClinVar aggregate classification (germline): Conflicting classifications of pathogenicity. Review status: criteria provided, conflicting classifications (1 of 4 stars). 6 submissions from 6 submitters: Uncertain significance (3); Benign (1). 2 of the submissions do not count toward it. Last evaluated 2026-01-24.

Conditions:
Nemaline myopathy 2 (NEM2). Also called: Nemaline myopathy 2, autosomal recessive. Identifiers: MedGen C1850569, MONDO:0009725, OMIM 256030.

Allele frequency attached by ClinVar (database versions not stated): gnomAD 0.00004 and 0.00005; gnomAD exomes 0.00004 and 0.00014; TOPMed 0.00004; ExAC 0.00012; 1000 Genomes Project 30x 0.00016; 1000 Genomes Project 0.00020.
gnomAD v4.1: 69 of 1,613,416 alleles (0.0043%); highest among the groups gnomAD compares: East Asian, 0.11%; no homozygotes.

Submissions (6):

Labcorp Genetics (formerly Invitae), Labcorp
Classification: Benign for Nemaline myopathy 2. Last evaluated: 2026-01-24. Review status: criteria provided, single submitter. Criteria: Invitae Variant Classification Sherloc (09022015). Collection method: clinical testing. Allele origin: germline.

Revvity Omics, Revvity
Classification: Uncertain significance. Last evaluated: 2023-03-13. Review status: criteria provided, single submitter. Criteria: ACMG Guidelines, 2015. Collection method: clinical testing. Allele origin: germline.

GeneDx
Classification: Uncertain significance. Last evaluated: 2020-09-15. Review status: criteria provided, single submitter. Criteria: GeneDx Variant Classification Process June 2021. Collection method: clinical testing. Allele origin: germline. Affected: yes.
Comment: Reported with a likely benign variant on the opposite allele (in trans) in two siblings with generalized muscle weakness, intellectual disability, and epilepsy in the published literature (Jin et al., 2014); In silico analysis supports that this missense variant has a deleterious effect on protein structure/function; In-silico analysis, which includes splice predictors and evolutionary conservation, is inconclusive as to whether the variant alters gene splicing. In the absence of RNA/functional studies, the actual effect of this sequence change is unknown.; This variant is associated with the following publications: (PMID: 25296583, 25589043)

Illumina Laboratory Services, Illumina
Classification: Uncertain significance for Nemaline myopathy 2. Last evaluated: 2017-07-21. Review status: criteria provided, single submitter. Criteria: ICSL Variant Classification Criteria 13 December 2019. Collection method: clinical testing. Allele origin: germline.
Comment: This variant was observed as part of a predisposition screen in an ostensibly healthy population. A literature search was performed for the gene, cDNA change, and amino acid change (where applicable). Publications were found based on this search. However, the evidence from the literature, in combination with allele frequency data from public databases where available, was not sufficient to rule this variant in or out of causing disease. Therefore, this variant is classified as a variant of unknown significance.

Natera, Inc.
Classification: Uncertain significance for Nemaline myopathy type 2. Last evaluated: 2020-09-16. Review status: no assertion criteria provided. Collection method: clinical testing. Allele origin: germline. Not counted in ClinVar's aggregate classification.

Counsyl
Classification: Uncertain significance for Nemaline myopathy 2. Last evaluated: 2018-03-13. Review status: no assertion criteria provided. Collection method: clinical testing. Allele origin: unknown. Not counted in ClinVar's aggregate classification.

Literature cited by the submitters: PubMed 25296583 (cited by Illumina Laboratory Services, Illumina and Counsyl); PubMed 25589042 (cited by Illumina Laboratory Services, Illumina); PubMed 25589043 (cited by Illumina Laboratory Services, Illumina).